The following is an entry in ClinVar:

ClinVar aggregate classification (germline): Likely benign (1 of 4 stars; one submission).

Allele frequency attached by ClinVar (database versions not stated): TOPMed 0.00006; gnomAD 0.00007; gnomAD exomes 0.00007.
gnomAD v4.1: 37 of 512,113 alleles (0.0072%); highest among the groups gnomAD compares: Middle Eastern, 0.09%; no homozygotes.

Submission:

CeGaT Center for Human Genetics Tuebingen
Classification: Likely benign. Last evaluated: 2023-03-01. Review status: criteria provided, single submitter. Criteria: CeGaT Center For Human Genetics Tuebingen Variant Classification Criteria Version 2. Collection method: clinical testing. Allele origin: germline. Affected: yes. Observed: 1 variant allele.
Comment: FAM120C: PP2, BP4, BS2

NM_017848.6(FAM120C):c.699+8363A>G

Gene: FAM120C (family with sequence similarity 120 member C; minus strand). Cytogenetic location: Xp11.22.
Variant type: single nucleotide variant.
Coding change: c.699+8363A>G on transcript NM_017848.6 (MANE Select); 8363 bases into the intron after coding-DNA position 699, A replaced by G.
Molecular consequence: intron variant. On other transcripts: missense variant (1).
Genome position (GRCh38, 1-based): chrX:54,174,137, T>C on the plus strand (A>G on the coding strand, the complement: FAM120C is on the minus strand). VCF-style: chrX-54174137-T-C. GRCh37 (hg19) VCF-style: chrX-54200570-T-C.
Other names: c.709A>G, p.Met237Val (NM_198456.3); c.699+8363A>G (NM_001300788.2); short protein forms M237V.
Identifiers: ClinVar variation 2660655 (VCV002660655.24), dbSNP rs985794269, ClinGen allele CA328980920.
Genomic context (GRCh38, chrX:54,174,137, plus strand): 5'-GGTTGGAGGCTTCCCTCAGTTTCTTTTCCTGTGGGCCTCTCCATAGGGCAGCTCACAACA[T>C]GGCAGCTTGCTTCATCAGAGTGATCAAGCAAGAAGAGCCAGAGAGAAAGAGAGAGAGAGT-3'